The following is an entry in ClinVar:

NM_019888.3(MC3R):c.66A>G (p.Gln22=)

Gene: MC3R (melanocortin 3 receptor; plus strand). Cytogenetic location: 20q13.2.
Variant type: single nucleotide variant.
Coding change: c.66A>G on transcript NM_019888.3 (MANE Select); coding-DNA position 66, A replaced by G.
Protein change: p.Gln22=; no amino-acid change (glutamine 22 retained).
Molecular consequence: synonymous variant.
Genome position (GRCh38, 1-based): chr20:56,248,909, A>G. VCF-style: chr20-56248909-A-G. GRCh37 (hg19) VCF-style: chr20-54823965-A-G.
Identifiers: ClinVar variation 3040303 (VCV003040303.2), dbSNP rs779044626, ClinGen allele CA9916919.

ClinVar aggregate classification (germline): Likely benign (0 of 4 stars; one submission).

Conditions:
MC3R-related disorder. Also called: MC3R-related condition.

Allele frequency attached by ClinVar (database versions not stated): gnomAD 0.00002; TOPMed 0.00007; gnomAD exomes 0.00008; ExAC 0.00016.

Submission:

PreventionGenetics, part of Exact Sciences
Classification: Likely benign for MC3R-related condition. Last evaluated: 2019-09-18. Review status: no assertion criteria provided. Collection method: clinical testing. Allele origin: germline.
Comment: This variant is classified as likely benign based on ACMG/AMP sequence variant interpretation guidelines (Richards et al. 2015 PMID: 25741868, with internal and published modifications).